The following is an entry in ClinVar:

NM_003718.5(CDK13):c.2231G>C (p.Gly744Ala)

Gene: CDK13 (cyclin dependent kinase 13; plus strand). Cytogenetic location: 7p14.1.
Variant type: single nucleotide variant.
Coding change: c.2231G>C on transcript NM_003718.5 (MANE Select); coding-DNA position 2231, G replaced by C.
Protein change: p.Gly744Ala; replaces glycine 744 with alanine.
Molecular consequence: missense variant.
Genome position (GRCh38, 1-based): chr7:40,001,909, G>C. VCF-style: chr7-40001909-G-C. GRCh37 (hg19) VCF-style: chr7-40041508-G-C.
Other names: c.2231G>C, p.Gly744Ala (NM_031267.4); short protein forms G744A.
Identifiers: ClinVar variation 3718064 (VCV003718064.2).

ClinVar aggregate classification (germline): Uncertain significance (1 of 4 stars; one submission).

Submission:

Labcorp Genetics (formerly Invitae), Labcorp
Classification: Uncertain significance. Last evaluated: 2024-11-02. Review status: criteria provided, single submitter. Criteria: Invitae Variant Classification Sherloc (09022015). Collection method: clinical testing. Allele origin: germline.
Comment: This sequence change replaces glycine, which is neutral and non-polar, with alanine, which is neutral and non-polar, at codon 744 of the CDK13 protein (p.Gly744Ala). This variant is not present in population databases (gnomAD no frequency). This variant has not been reported in the literature in individuals affected with CDK13-related conditions. Invitae Evidence Modeling of protein sequence and biophysical properties (such as structural, functional, and spatial information, amino acid conservation, physicochemical variation, residue mobility, and thermodynamic stability) indicates that this missense variant is expected to disrupt CDK13 protein function with a positive predictive value of 80%. In summary, the available evidence is currently insufficient to determine the role of this variant in disease. Therefore, it has been classified as a Variant of Uncertain Significance.